The following is an entry in ClinVar:

NM_001035.3(RYR2):c.7570G>A (p.Val2524Ile)

Gene: RYR2 (ryanodine receptor 2; plus strand). Cytogenetic location: 1q43.
Variant type: single nucleotide variant.
Coding change: c.7570G>A on transcript NM_001035.3 (MANE Select); coding-DNA position 7570, G replaced by A.
Protein change: p.Val2524Ile; replaces valine 2524 with isoleucine.
Molecular consequence: missense variant.
Genome position (GRCh38, 1-based): chr1:237,649,934, G>A. VCF-style: chr1-237649934-G-A. GRCh37 (hg19) VCF-style: chr1-237813234-G-A.
Other names: c.7570G>A (NM_001035.2); short protein forms V2524I.
Identifiers: ClinVar variation 921094 (VCV000921094.54), dbSNP rs934248102, ClinGen allele CA39797949.

ClinVar aggregate classification (germline): Uncertain significance. Review status: criteria provided, multiple submitters, no conflicts (2 of 4 stars). 6 submissions from 6 submitters: Uncertain significance (6). Last evaluated 2025-07-10.

Conditions:
Arrhythmogenic right ventricular dysplasia 2. Identifiers: MedGen C1832931.
Catecholaminergic polymorphic ventricular tachycardia 1. Also called: VENTRICULAR TACHYCARDIA, CATECHOLAMINERGIC POLYMORPHIC, 1, WITH OR WITHOUT ATRIAL DYSFUNCTION AND/OR DILATED CARDIOMYOPATHY; RYR2-Related Catecholaminergic Polymorphic Ventricular Tachycardia; VENTRICULAR TACHYCARDIA, STRESS-INDUCED POLYMORPHIC 1. Identifiers: Orphanet 3286, MedGen C1631597, MONDO:0011484, OMIM 604772.
Ventricular arrhythmias due to cardiac ryanodine receptor calcium release deficiency syndrome. Also called: Autosomal dominant cardiac arrhythmia (Kuhn). Identifiers: MedGen C5542154, MONDO:0020745, OMIM 115000.
Catecholaminergic polymorphic ventricular tachycardia (CVPT). Also called: Catecholamine-induced polymorphic ventricular tachycardia. Identifiers: Orphanet 3286, MedGen C5574922, MONDO:0017990.
Cardiovascular phenotype. Identifiers: MedGen CN230736.
Cardiomyopathy (CMYO). Also called: Cardiomyopathies. Identifiers: Orphanet 167848, MedGen C0878544, MONDO:0004994, HP:0001638. Inheritance: Various modes of inheritance.

Allele frequency attached by ClinVar (database versions not stated): gnomAD 0.00001 and 0.00002; gnomAD exomes 0.00002 and 0.00003; TOPMed 0.00002.
gnomAD v4.1: 46 of 1,613,764 alleles (0.0029%); highest among the groups gnomAD compares: Admixed American, 0.005%; no homozygotes.

Submissions (6):

Color Diagnostics, LLC DBA Color Health
Classification: Uncertain significance for Cardiomyopathy. Last evaluated: 2025-07-10. Review status: criteria provided, single submitter. Criteria: ACMG Guidelines, 2015. Collection method: clinical testing. Allele origin: germline.
Comment: This missense variant replaces valine with isoleucine at codon 2524 of the RYR2 protein. Computational prediction suggests that this variant may not impact protein structure and function. To our knowledge, functional studies have not been reported for this variant. This variant has been reported in a sudden cardiac arrest survivor who did not have previous clinical evidence of heart disease (PMID: 30975432). This individual also carried a truncation variant in the TTN gene. This variant has been identified in 8/280668 chromosomes in the general population by the Genome Aggregation Database (gnomAD). The available evidence is insufficient to determine the role of this variant in disease conclusively. Therefore, this variant is classified as a Variant of Uncertain Significance.

Labcorp Genetics (formerly Invitae), Labcorp
Classification: Uncertain significance for Catecholaminergic polymorphic ventricular tachycardia 1. Last evaluated: 2025-02-25. Review status: criteria provided, single submitter. Criteria: Invitae Variant Classification Sherloc (09022015). Collection method: clinical testing. Allele origin: germline.
Comment: This sequence change replaces valine, which is neutral and non-polar, with isoleucine, which is neutral and non-polar, at codon 2524 of the RYR2 protein (p.Val2524Ile). This variant is present in population databases (no rsID available, gnomAD 0.008%). This missense change has been observed in individual(s) with sudden cardiac arrest (PMID: 30975432). ClinVar contains an entry for this variant (Variation ID: 921094). Invitae Evidence Modeling of protein sequence and biophysical properties (such as structural, functional, and spatial information, amino acid conservation, physicochemical variation, residue mobility, and thermodynamic stability) indicates that this missense variant is not expected to disrupt RYR2 protein function with a negative predictive value of 95%. In summary, the available evidence is currently insufficient to determine the role of this variant in disease. Therefore, it has been classified as a Variant of Uncertain Significance.

All of Us Research Program, National Institutes of Health
Classification: Uncertain significance for Catecholaminergic polymorphic ventricular tachycardia. Last evaluated: 2023-12-18. Review status: criteria provided, single submitter. Criteria: ACMG Guidelines, 2015. Collection method: clinical testing. Allele origin: germline. Inheritance: Autosomal dominant inheritance. Observed: 7 variant alleles, 7 heterozygotes.
Comment: This missense variant replaces valine with isoleucine at codon 2524 of the RYR2 protein. Computational prediction suggests that this variant may not impact protein structure and function (internally defined REVEL score threshold <= 0.5, PMID: 27666373). Splice site prediction tools suggest that this variant may not impact RNA splicing. To our knowledge, functional studies have not been performed for this variant. This variant has been reported in a sudden cardiac arrest survivor who did not have previous clinical evidence of heart disease (PMID: 30975432). This individual also carried a truncation variant in the TTN gene. This variant has been identified in 8/280668 chromosomes in the general population by the Genome Aggregation Database (gnomAD). The available evidence is insufficient to determine the role of this variant in disease conclusively. Therefore, this variant is classified as a Variant of Uncertain Significance.

This study involves interpretation of variants in research participants for the purpose of population health screening. Participant phenotype was not available at the time of variant classification. Additional details can be found in publication PMID: 35346344, PMCID: PMC8962531

GeneDx
Classification: Uncertain significance. Last evaluated: 2023-10-03. Review status: criteria provided, single submitter. Criteria: GeneDx Variant Classification Process June 2021. Collection method: clinical testing. Allele origin: germline. Affected: yes.
Comment: Located in one of the three hot-spot regions of the RYR2 gene, where the majority of pathogenic missense variants occur (Medeiros-Domingo et al., 2009); In silico analysis supports that this missense variant does not alter protein structure/function; This variant is associated with the following publications: (PMID: 19926015, 30975432)

Ambry Genetics
Classification: Uncertain significance for Cardiovascular phenotype. Last evaluated: 2023-06-09. Review status: criteria provided, single submitter. Criteria: Ambry Variant Classification Scheme 2023. Collection method: clinical testing. Allele origin: germline.
Comment: The p.V2524I variant (also known as c.7570G>A), located in coding exon 50 of the RYR2 gene, results from a G to A substitution at nucleotide position 7570. The valine at codon 2524 is replaced by isoleucine, an amino acid with highly similar properties. This alteration was reported in an individual from a sudden cardiac arrest cohort, who also had variants in other cardiac-related genes (Asatryan B et al. Am J Cardiol, 2019 06;123:2031-2038). This amino acid position is highly conserved in available vertebrate species. In addition, the in silico prediction for this alteration is inconclusive. Since supporting evidence is limited at this time, the clinical significance of this alteration remains unclear.

Fulgent Genetics
Classification: Uncertain significance for Ventricular arrhythmias due to cardiac ryanodine receptor calcium release deficiency syndrome; Catecholaminergic polymorphic ventricular tachycardia 1. Last evaluated: 2021-08-18. Review status: criteria provided, single submitter. Criteria: ACMG Guidelines, 2015. Collection method: clinical testing. Allele origin: unknown.

Literature cited by the submitters: PubMed 30975432 (cited by 4 submitters).